The following is an entry in ClinVar:

NM_000170.3(GLDC):c.1595C>G (p.Thr532Arg)

Gene: GLDC (glycine decarboxylase; minus strand). Cytogenetic location: 9p24.1.
Variant type: single nucleotide variant.
Coding change: c.1595C>G on transcript NM_000170.3 (MANE Select); coding-DNA position 1595, C replaced by G.
Protein change: p.Thr532Arg; replaces threonine 532 with arginine.
Molecular consequence: missense variant.
Genome position (GRCh38, 1-based): chr9:6,588,688, G>C on the plus strand (C>G on the coding strand, the complement: GLDC is on the minus strand). VCF-style: chr9-6588688-G-C. GRCh37 (hg19) VCF-style: chr9-6588688-G-C.
Other names: short protein forms T532R.
Identifiers: ClinVar variation 56046 (VCV000056046.4), dbSNP rs386833527, ClinGen allele CA263299.

ClinVar aggregate classification (germline): Uncertain significance. Review status: criteria provided, single submitter (1 of 4 stars). 2 submissions from 2 submitters: Uncertain significance (1). 1 of the submissions does not count toward it. Last evaluated 2024-03-25.

Conditions:
Glycine encephalopathy 1 (GCE1). Identifiers: MedGen CN376801, MONDO:0958179, OMIM 605899.
Glycine encephalopathy. Also called: Nonketotic hyperglycinemia; Non-ketotic hyperglycinemia. Identifiers: Orphanet 407, MedGen C0751748, MONDO:0011612, HP:0008288.

gnomAD v4.1: 3 of 1,612,424 alleles (0.00019%); highest among the groups gnomAD compares: Non-Finnish European, 0.00025%; no homozygotes.

Submissions (2):

Genomic Medicine Center of Excellence, King Faisal Specialist Hospital and Research Centre
Classification: Uncertain significance for Glycine encephalopathy 1. Last evaluated: 2024-03-25. Review status: criteria provided, single submitter. Criteria: ACMG Guidelines, 2015. Collection method: research. Allele origin: germline.

Juha Muilu Group; Institute for Molecular Medicine Finland (FIMM)
Classification: Likely pathogenic for Non-ketotic hyperglycinemia. Review status: no assertion criteria provided. Collection method: not provided. Allele origin: unknown. Not counted in ClinVar's aggregate classification.
Comment: FinDis database variant: This variant was not found or characterized by our laboratory, data were collected from public sources: see reference
ClinVar note: Converted during submission from probable-pathogenic to Likely pathogenic.